The following is an entry in ClinVar:

NM_001458.5(FLNC):c.1798G>T (p.Glu600Ter)

Gene: FLNC (filamin C; plus strand). Cytogenetic location: 7q32.1.
Variant type: single nucleotide variant.
Coding change: c.1798G>T on transcript NM_001458.5 (MANE Select); coding-DNA position 1798, G replaced by T.
Protein change: p.Glu600Ter; replaces glutamic acid 600 with a stop codon.
Molecular consequence: nonsense.
Genome position (GRCh38, 1-based): chr7:128,840,955, G>T. VCF-style: chr7-128840955-G-T. GRCh37 (hg19) VCF-style: chr7-128481009-G-T.
Other names: c.1798G>T, p.Glu600Ter (NM_001127487.2); short protein forms E600*.
Identifiers: ClinVar variation 3750995 (VCV003750995.2).

ClinVar aggregate classification (germline): Pathogenic (1 of 4 stars; one submission).

Conditions:
Distal myopathy with posterior leg and anterior hand involvement. Also called: WILLIAMS DISTAL MYOPATHY. Identifiers: Orphanet 63273, MedGen C3279722, MONDO:0013550, OMIM 614065.
Hypertrophic cardiomyopathy 26. Also called: Cardiomyopathy, familial hypertrophic, 26. Identifiers: Orphanet 75249, MedGen C4310749, MONDO:0014883, OMIM 617047.
Myofibrillar myopathy 5. Also called: Filaminopathy (type); FILAMINOPATHY, AUTOSOMAL DOMINANT. Identifiers: Orphanet 171445, MedGen C1836050, MONDO:0012289, OMIM 609524.

Submission:

Labcorp Genetics (formerly Invitae), Labcorp
Classification: Pathogenic for Distal myopathy with posterior leg and anterior hand involvement; Myofibrillar myopathy 5; Hypertrophic cardiomyopathy 26. Last evaluated: 2024-09-23. Review status: criteria provided, single submitter. Criteria: Invitae Variant Classification Sherloc (09022015). Collection method: clinical testing. Allele origin: germline.
Comment: This sequence change creates a premature translational stop signal (p.Glu600*) in the FLNC gene. It is expected to result in an absent or disrupted protein product. Loss-of-function variants in FLNC are known to be pathogenic (PMID: 27908349). This variant is not present in population databases (gnomAD no frequency). This variant has not been reported in the literature in individuals affected with FLNC-related conditions. Algorithms developed to predict the effect of sequence changes on RNA splicing suggest that this variant may disrupt the consensus splice site. For these reasons, this variant has been classified as Pathogenic.

Literature cited by the submitters: PubMed 27908349.